The following is an entry in ClinVar:

ClinVar aggregate classification (germline): Benign/Likely benign. Review status: criteria provided, multiple submitters, no conflicts (2 of 4 stars). 3 submissions from 3 submitters: Benign (2); Likely benign (1). Last evaluated 2026-09-01.

Allele frequency attached by ClinVar (database versions not stated): gnomAD 0.00358 and 0.00344; gnomAD exomes 0.00408 and 0.00330; ESP Exome Variant Server 0.00409; ExAC 0.00420; 1000 Genomes Project 0.00060; 1000 Genomes Project 30x 0.00062; TOPMed 0.00266.
gnomAD v4.1: 6,251 of 1,572,672 alleles (0.4%); highest among the groups gnomAD compares: Non-Finnish European, 0.48%; 20 homozygotes.

Submissions (3):

CeGaT Center for Human Genetics Tuebingen
Classification: Likely benign. Last evaluated: 2026-09-01. Review status: criteria provided, single submitter. Criteria: CeGaT Center For Human Genetics Tuebingen Variant Classification Criteria Version 2. Collection method: clinical testing. Allele origin: germline. Affected: yes. Observed: 22 variant alleles.
Comment: VPS13C: BP4, BS2

Labcorp Genetics (formerly Invitae), Labcorp
Classification: Benign. Last evaluated: 2026-01-28. Review status: criteria provided, single submitter. Criteria: Invitae Variant Classification Sherloc (09022015). Collection method: clinical testing. Allele origin: germline.

Mayo Clinic Laboratories, Mayo Clinic
Classification: Benign. Last evaluated: 2024-04-03. Review status: criteria provided, single submitter. Criteria: ACMG Guidelines, 2015. Collection method: clinical testing. Allele origin: germline. Observed: 6 variant alleles.
Comment: BS1, BS2

NM_020821.3(VPS13C):c.2797A>G (p.Thr933Ala)

Gene: VPS13C (vacuolar protein sorting 13 homolog C; minus strand). Cytogenetic location: 15q22.2.
Variant type: single nucleotide variant.
Coding change: c.2797A>G on transcript NM_020821.3 (MANE Select); coding-DNA position 2797, A replaced by G.
Protein change: p.Thr933Ala; replaces threonine 933 with alanine.
Molecular consequence: missense variant.
Genome position (GRCh38, 1-based): chr15:61,969,413, T>C on the plus strand (A>G on the coding strand, the complement: VPS13C is on the minus strand). VCF-style: chr15-61969413-T-C. GRCh37 (hg19) VCF-style: chr15-62261612-T-C.
Other names: p.Thr933Ala; c.2797A>G, p.Thr933Ala (NM_001018088.3); c.2668A>G, p.Thr890Ala (NM_017684.5, NM_018080.4); short protein forms T890A, T933A.
Identifiers: ClinVar variation 774224 (VCV000774224.50), dbSNP rs146460562, ClinGen allele CA7596588.